The following is an entry in ClinVar:

NM_000153.4(GALC):c.1208A>G (p.Asn403Ser)

Gene: GALC (galactosylceramidase; minus strand). Cytogenetic location: 14q31.3.
Variant type: single nucleotide variant.
Coding change: c.1208A>G on transcript NM_000153.4 (MANE Select); coding-DNA position 1208, A replaced by G.
Protein change: p.Asn403Ser; replaces asparagine 403 with serine.
Molecular consequence: missense variant.
Genome position (GRCh38, 1-based): chr14:87,950,702, T>C on the plus strand (A>G on the coding strand, the complement: GALC is on the minus strand). VCF-style: chr14-87950702-T-C. GRCh37 (hg19) VCF-style: chr14-88417046-T-C.
Other names: c.1139A>G, p.Asn380Ser (NM_001201401.2); c.1130A>G, p.Asn377Ser (NM_001201402.2); c.1208A>G (NM_000153.3); short protein forms N380S, N403S, N377S.
Identifiers: ClinVar variation 1417995 (VCV001417995.6), dbSNP rs777305549, ClinGen allele CA7297096.

ClinVar aggregate classification (germline): Uncertain significance. Review status: criteria provided, multiple submitters, no conflicts (2 of 4 stars). 2 submissions from 2 submitters: Uncertain significance (2). Last evaluated 2025-03-31.

Conditions:
Inborn genetic diseases. Identifiers: MedGen C0950123, MeSH D030342.
Galactosylceramide beta-galactosidase deficiency. Also called: Krabbe Disease; Leukodystrophy, Globoid Cell; GALACTOCEREBROSIDASE DEFICIENCY; GALC DEFICIENCY; GLOBOID CELL LEUKOENCEPHALOPATHY. Identifiers: Orphanet 487, MedGen C0023521, MONDO:0009499, OMIM 245200.

Allele frequency attached by ClinVar (database versions not stated): ExAC 0.00002.
gnomAD v4.1: 32 of 1,608,434 alleles (0.002%); highest among the groups gnomAD compares: Middle Eastern, 0.017%; no homozygotes.

Submissions (2):

Labcorp Genetics (formerly Invitae), Labcorp
Classification: Uncertain significance for Galactosylceramide beta-galactosidase deficiency. Last evaluated: 2025-03-31. Review status: criteria provided, single submitter. Criteria: Invitae Variant Classification Sherloc (09022015). Collection method: clinical testing. Allele origin: germline.
Comment: This sequence change replaces asparagine, which is neutral and polar, with serine, which is neutral and polar, at codon 403 of the GALC protein (p.Asn403Ser). This variant is present in population databases (rs777305549, gnomAD 0.008%). This variant has not been reported in the literature in individuals affected with GALC-related conditions. ClinVar contains an entry for this variant (Variation ID: 1417995). Invitae Evidence Modeling of protein sequence and biophysical properties (such as structural, functional, and spatial information, amino acid conservation, physicochemical variation, residue mobility, and thermodynamic stability) indicates that this missense variant is not expected to disrupt GALC protein function with a negative predictive value of 95%. In summary, the available evidence is currently insufficient to determine the role of this variant in disease. Therefore, it has been classified as a Variant of Uncertain Significance.

Ambry Genetics
Classification: Uncertain significance for Inborn genetic diseases. Last evaluated: 2025-03-24. Review status: criteria provided, single submitter. Criteria: Ambry Variant Classification Scheme 2023. Collection method: clinical testing. Allele origin: germline.